The following is an entry in ClinVar:

ClinVar aggregate classification (germline): Likely pathogenic (1 of 4 stars; one submission).

Conditions:
Alport syndrome. Also called: Hemorrhagic familial nephritis; Hemorrhagic hereditary nephritis; Congenital hereditary hematuria. Identifiers: Orphanet 63, MedGen C1567741, MONDO:0018965.

Submission:

Natera, Inc.
Classification: Likely pathogenic for Alport syndrome. Last evaluated: 2024-11-27. Review status: criteria provided, single submitter. Criteria: Natera Variant Classification Schema (03/2026). Collection method: clinical testing. Allele origin: germline.
Comment: The c.3242_3243del variant in COL4A4 is a frameshift variant predicted to shift the reading frame beginning at codon 1081 and leads to a stop codon 8 codons downstream. This variant is expected to result in nonsense mediated decay, truncation, or a dysfunctional protein product. This variant is rare in the general population with a frequency below the threshold expected for the associated phenotype(s). Given the available evidence, this variant is classified as Likely Pathogenic.

NM_000092.5(COL4A4):c.3242_3243del (p.Phe1081fs)

Gene: COL4A4 (collagen type IV alpha 4 chain; minus strand). Cytogenetic location: 2q36.3.
Variant type: Deletion.
Coding change: c.3242_3243del on transcript NM_000092.5 (MANE Select); coding-DNA positions 3242 to 3243, 2 bases deleted (TT; older notation c.3242_3243delTT).
Protein change: p.Phe1081fs; shifts the reading frame from phenylalanine 1081.
Molecular consequence: frameshift variant.
Genome position (GRCh38, 1-based): chr2:227,047,521-227,047,522, AA deleted on the plus strand (TT on the coding strand, the reverse complement: COL4A4 is on the minus strand); deleting any 2 consecutive bases within chr2:227,047,521-227,047,523 gives the same sequence; the c. name uses the placement nearest the transcript's 3' end. VCF-style (leftmost placement, unchanged base first): chr2-227047520-CAA-C. GRCh37 (hg19) VCF-style: chr2-227912236-CAA-C.
Other names: c.3241_3242delTT, p.Phe1081Trpfs (NM_000092.4); short protein forms F1081fs.
Identifiers: ClinVar variation 4817330 (VCV004817330.1).
Genomic context (GRCh38, chr2:227,047,520, plus strand): 5'-AATATGCAGCTATACCTGGACATCCAGGGCTACCTGGCTCACCCTTTGGACCAGGTGGAC[CAA>C]AGTGACTGGCAGGGTCACCTTTGTTTCCTGAAAGGGATAAAATGCATGTGACATTACTTT-3'